The following is an entry in ClinVar:

NM_014314.4(RIGI):c.2027C>T (p.Pro676Leu)

Gene: RIGI (RNA sensor RIG-I; minus strand). Cytogenetic location: 9p21.1.
Variant type: single nucleotide variant.
Coding change: c.2027C>T on transcript NM_014314.4 (MANE Select); coding-DNA position 2027, C replaced by T.
Protein change: p.Pro676Leu; replaces proline 676 with leucine.
Molecular consequence: missense variant. On other transcripts: intron variant (1).
Genome position (GRCh38, 1-based): chr9:32,467,920, G>A on the plus strand (C>T on the coding strand, the complement: RIGI is on the minus strand). VCF-style: chr9-32467920-G-A. GRCh37 (hg19) VCF-style: chr9-32467918-G-A.
Other names: c.2021C>T, p.Pro674Leu (NM_001385907.1); c.1586C>T, p.Pro529Leu (NM_001385910.1); c.1418C>T, p.Pro473Leu (NM_001385912.1); c.2012C>T, p.Pro671Leu (NM_001385913.1); c.1583C>T, p.Pro528Leu (NM_001385914.1); c.2015-1479C>T (NM_001385909.1); short protein forms P671L, P674L, P529L, P676L, P528L, P473L.
Identifiers: ClinVar variation 1385822 (VCV001385822.8), dbSNP rs374942642, ClinGen allele CA5019600.

ClinVar aggregate classification (germline): Uncertain significance (1 of 4 stars; one submission).

Allele frequency attached by ClinVar (database versions not stated): ExAC 0.00004; ESP Exome Variant Server 0.00015.
gnomAD v4.1: 59 of 1,591,298 alleles (0.0037%); highest among the groups gnomAD compares: Middle Eastern, 0.033%; no homozygotes.

Submission:

Labcorp Genetics (formerly Invitae), Labcorp
Classification: Uncertain significance. Last evaluated: 2025-09-05. Review status: criteria provided, single submitter. Criteria: Invitae Variant Classification Sherloc (09022015). Collection method: clinical testing. Allele origin: germline.
Comment: This sequence change replaces proline, which is neutral and non-polar, with leucine, which is neutral and non-polar, at codon 676 of the DDX58 protein (p.Pro676Leu). This variant is present in population databases (rs374942642, gnomAD 0.007%). This variant has not been reported in the literature in individuals affected with DDX58-related conditions. ClinVar contains an entry for this variant (Variation ID: 1385822). An algorithm developed to predict the effect of missense changes on protein structure and function outputs the following: PolyPhen-2: "Possibly Damaging". The leucine amino acid residue is found in multiple mammalian species, which suggests that this missense change does not adversely affect protein function. In summary, the available evidence is currently insufficient to determine the role of this variant in disease. Therefore, it has been classified as a Variant of Uncertain Significance.